The following is an entry in ClinVar:

ClinVar aggregate classification (germline): Uncertain significance. Review status: criteria provided, multiple submitters, no conflicts (2 of 4 stars). 3 submissions from 3 submitters: Uncertain significance (3). Last evaluated 2025-10-04.

Conditions:
Anemia, congenital dyserythropoietic, type 1a (CDAN1A). Also called: DYSERYTHROPOIETIC ANEMIA, CONGENITAL, TYPE Ia; CDAN1-Related Congenital Dyserythropoietic Anemia. Identifiers: MedGen C5574667, MONDO:0009135, OMIM 224120.
Inborn genetic diseases. Identifiers: MedGen C0950123, MeSH D030342.

Allele frequency attached by ClinVar (database versions not stated): TOPMed 0.00001; gnomAD 0.00002; gnomAD exomes 0.00003; ExAC 0.00004.
gnomAD v4.1: 50 of 1,589,692 alleles (0.0031%); highest among the groups gnomAD compares: African/African-American, 0.0094%; no homozygotes.

Submissions (3):

Labcorp Genetics (formerly Invitae), Labcorp
Classification: Uncertain significance. Last evaluated: 2025-10-04. Review status: criteria provided, single submitter. Criteria: Invitae Variant Classification Sherloc (09022015). Collection method: clinical testing. Allele origin: germline.
Comment: This sequence change replaces arginine, which is basic and polar, with cysteine, which is neutral and slightly polar, at codon 1015 of the CDAN1 protein (p.Arg1015Cys). This variant is present in population databases (rs764025922, gnomAD 0.007%). This variant has not been reported in the literature in individuals affected with CDAN1-related conditions. ClinVar contains an entry for this variant (Variation ID: 1029130). An algorithm developed to predict the effect of missense changes on protein structure and function outputs the following: PolyPhen-2: "Possibly Damaging". The cysteine amino acid residue is found in multiple mammalian species, which suggests that this missense change does not adversely affect protein function. In summary, the available evidence is currently insufficient to determine the role of this variant in disease. Therefore, it has been classified as a Variant of Uncertain Significance.

Ambry Genetics
Classification: Uncertain significance for Inborn genetic diseases. Last evaluated: 2024-02-05. Review status: criteria provided, single submitter. Criteria: Ambry Variant Classification Scheme 2023. Collection method: clinical testing. Allele origin: germline.

Baylor Genetics
Classification: Uncertain significance for Anemia, congenital dyserythropoietic, type 1a. Last evaluated: 2020-05-05. Review status: criteria provided, single submitter. Criteria: ACMG Guidelines, 2015. Collection method: clinical testing. Allele origin: unknown. Affected: yes.
Comment: This variant was determined to be of uncertain significance according to ACMG Guidelines, 2015 [PMID:25741868].

NM_138477.4(CDAN1):c.3043C>T (p.Arg1015Cys)

Gene: CDAN1 (codanin 1; minus strand). Cytogenetic location: 15q15.2.
Variant type: single nucleotide variant.
Coding change: c.3043C>T on transcript NM_138477.4 (MANE Select); coding-DNA position 3043, C replaced by T.
Protein change: p.Arg1015Cys; replaces arginine 1015 with cysteine.
Molecular consequence: missense variant.
Genome position (GRCh38, 1-based): chr15:42,727,674, G>A on the plus strand (C>T on the coding strand, the complement: CDAN1 is on the minus strand). VCF-style: chr15-42727674-G-A. GRCh37 (hg19) VCF-style: chr15-43019872-G-A.
Other names: short protein forms R1015C.
Identifiers: ClinVar variation 1029130 (VCV001029130.3), dbSNP rs764025922, ClinGen allele CA7515326.